The following is an entry in ClinVar:

NM_005502.4(ABCA1):c.3104-5dup

Gene: ABCA1 (ATP binding cassette subfamily A member 1; minus strand). Cytogenetic location: 9q31.1.
Variant type: Duplication.
Coding change: c.3104-5dup on transcript NM_005502.4 (MANE Select); 5 bases into the intron before coding-DNA position 3104, one base duplicated (T; older notation c.3104-5dupT).
Molecular consequence: intron variant.
Genome position (GRCh38, 1-based): chr9:104,819,728, A duplicated on the plus strand (T on the coding strand, the reverse complement: ABCA1 is on the minus strand); the first of 7 consecutive A bases (chr9:104,819,728-104,819,734); duplicating any one gives the same sequence. VCF-style (leftmost placement, unchanged base first): chr9-104819727-C-CA. GRCh37 (hg19) VCF-style: chr9-107582008-C-CA.
Other names: c.3104-5dupT (NM_005502.4).
Identifiers: ClinVar variation 1599908 (VCV001599908.10), dbSNP rs746119307, ClinGen allele CA5168528.

ClinVar aggregate classification (germline): Benign/Likely benign. Review status: criteria provided, multiple submitters, no conflicts (2 of 4 stars). 2 submissions from 2 submitters: Benign (1); Likely benign (1). Last evaluated 2025-04-16.

Submissions (2):

Women's Health and Genetics/Laboratory Corporation of America, LabCorp
Classification: Likely benign. Last evaluated: 2025-04-16. Review status: criteria provided, single submitter. Criteria: LabCorp Variant Classification Summary - May 2015. Collection method: clinical testing. Allele origin: germline.
Comment: Variant summary: ABCA1 c.3104-5dupT alters a non-conserved nucleotide located at a position not widely known to affect splicing. Consensus agreement among computation tools predict no significant impact on normal splicing. However, these predictions have yet to be confirmed by functional studies. The variant allele was found at a frequency of 1.9e-05 in 1607084 control chromosomes (gnomAD v4.1). This frequency is not higher than the maximum estimated for a pathogenic variant in ABCA1 causing Tangier Disease (0.0025), allowing no conclusion about variant significance. To our knowledge, no occurrence of c.3104-5dupT in individuals affected with Tangier Disease and no experimental evidence demonstrating its impact on protein function have been reported. ClinVar contains an entry for this variant (Variation ID: 1599908). Based on the evidence outlined above, the variant was classified as likely benign.

Labcorp Genetics (formerly Invitae), Labcorp
Classification: Benign. Last evaluated: 2024-10-15. Review status: criteria provided, single submitter. Criteria: Invitae Variant Classification Sherloc (09022015). Collection method: clinical testing. Allele origin: germline.